The following is an entry in ClinVar:

NM_001330360.2(POLA1):c.13C>T (p.His5Tyr)

Gene: POLA1 (DNA polymerase alpha 1, catalytic subunit; plus strand). Cytogenetic location: Xp22.11.
Variant type: single nucleotide variant.
Coding change: c.13C>T on transcript NM_001330360.2 (MANE Select); coding-DNA position 13, C replaced by T.
Protein change: p.His5Tyr; replaces histidine 5 with tyrosine.
Molecular consequence: missense variant. On other transcripts: non-coding transcript variant (2).
Genome position (GRCh38, 1-based): chrX:24,693,974, C>T. VCF-style: chrX-24693974-C-T. GRCh37 (hg19) VCF-style: chrX-24712091-C-T.
Other names: c.13C>T, p.His5Tyr (NM_001378303.1, NM_016937.4); short protein forms H5Y.
Identifiers: ClinVar variation 2693014 (VCV002693014.3), dbSNP rs2518693593, ClinGen allele CA412609071.
Genomic context (GRCh38, chrX:24,693,974, plus strand): 5'-CCGCGCCAGTTTTGGGCTGGTTGGCGCGGAATCGGGAGATTCGGGACCATGGCACCTGTG[C>T]ACGGCGACGACTGTGAGATAGGGGCGAGTGGTGAGGGACAATTCCGCGCGCGGGGCTCCG-3'
Protein context (NP_001317289.1, residues 1-15): MAPV[His5Tyr]GDDCEIGASA

ClinVar aggregate classification (germline): Uncertain significance (1 of 4 stars; one submission).

Submission:

Labcorp Genetics (formerly Invitae), Labcorp
Classification: Uncertain significance. Last evaluated: 2023-11-13. Review status: criteria provided, single submitter. Criteria: Invitae Variant Classification Sherloc (09022015). Collection method: clinical testing. Allele origin: germline.
Comment: This sequence change replaces histidine, which is basic and polar, with tyrosine, which is neutral and polar, at codon 5 of the POLA1 protein (p.His5Tyr). This variant is not present in population databases (gnomAD no frequency). This variant has not been reported in the literature in individuals affected with POLA1-related conditions. Algorithms developed to predict the effect of missense changes on protein structure and function output the following: SIFT: "Not Available"; PolyPhen-2: "Possibly Damaging"; Align-GVGD: "Not Available". The tyrosine amino acid residue is found in multiple mammalian species, which suggests that this missense change does not adversely affect protein function. In summary, the available evidence is currently insufficient to determine the role of this variant in disease. Therefore, it has been classified as a Variant of Uncertain Significance.